The following is an entry in ClinVar:

ClinVar aggregate classification (germline): Uncertain significance. Review status: criteria provided, multiple submitters, no conflicts (2 of 4 stars). 3 submissions from 3 submitters: Uncertain significance (3). Last evaluated 2025-10-01.

Conditions:
Inborn genetic diseases. Identifiers: MedGen C0950123, MeSH D030342.
Familial cold autoinflammatory syndrome 3 (FCAS3). Also called: FAMILIAL ATYPICAL COLD URTICARIA; ANTIBODY DEFICIENCY AND IMMUNE DYSREGULATION, PLCG2-ASSOCIATED. Identifiers: Orphanet 300359, MedGen C3280914, MONDO:0013766, OMIM 614468.
PLCG2-related disorder. Also called: PLCG2-related condition.

Submissions (3):

Ambry Genetics
Classification: Uncertain significance for Inborn genetic diseases. Last evaluated: 2025-10-01. Review status: criteria provided, single submitter. Criteria: Ambry Variant Classification Scheme 2023. Collection method: clinical testing. Allele origin: germline.

Labcorp Genetics (formerly Invitae), Labcorp
Classification: Uncertain significance for Familial cold autoinflammatory syndrome 3. Last evaluated: 2025-07-16. Review status: criteria provided, single submitter. Criteria: Invitae Variant Classification Sherloc (09022015). Collection method: clinical testing. Allele origin: germline.
Comment: This sequence change replaces isoleucine, which is neutral and non-polar, with valine, which is neutral and non-polar, at codon 928 of the PLCG2 protein (p.Ile928Val). This variant is not present in population databases (gnomAD no frequency). This variant has not been reported in the literature in individuals affected with PLCG2-related conditions. An algorithm developed to predict the effect of missense changes on protein structure and function (PolyPhen-2) suggests that this variant is likely to be tolerated. In summary, the available evidence is currently insufficient to determine the role of this variant in disease. Therefore, it has been classified as a Variant of Uncertain Significance.

PreventionGenetics, part of Exact Sciences
Classification: Uncertain significance for PLCG2-related condition. Last evaluated: 2025-03-21. Review status: criteria provided, single submitter. Criteria: ACMG Guidelines, 2015. Collection method: clinical testing. Allele origin: germline.
Comment: The PLCG2 c.2782A>G variant is predicted to result in the amino acid substitution p.Ile928Val. To our knowledge, this variant has not been reported in the literature or in a large population database (gnomAD), indicating this variant is rare. At this time, the clinical significance of this variant is uncertain due to the absence of conclusive functional and genetic evidence.

NM_002661.5(PLCG2):c.2782A>G (p.Ile928Val)

Gene: PLCG2 (phospholipase C gamma 2; plus strand). Cytogenetic location: 16q23.3.
Variant type: single nucleotide variant.
Coding change: c.2782A>G on transcript NM_002661.5 (MANE Select); coding-DNA position 2782, A replaced by G.
Protein change: p.Ile928Val; replaces isoleucine 928 with valine.
Molecular consequence: missense variant.
Genome position (GRCh38, 1-based): chr16:81,934,471, A>G. VCF-style: chr16-81934471-A-G. GRCh37 (hg19) VCF-style: chr16-81968076-A-G.
Other names: c.2782A>G (NM_002661.4); c.2782A>G, p.Ile928Val (NM_001425749.1, NM_001425750.1, NM_001425751.1); short protein forms I928V.
Identifiers: ClinVar variation 4627922 (VCV004627922.3).